The following is an entry in ClinVar:

ClinVar aggregate classification (germline): Uncertain significance (1 of 4 stars; one submission).

Conditions:
Menkes kinky-hair syndrome (MNK). Also called: Copper transport disease; Menkes Disease; Classic Menkes Disease. Identifiers: Orphanet 565, MedGen C0022716, MONDO:0010651, OMIM 309400.
Cutis laxa, X-linked (OHS). Also called: EDS IX; Occipital horn syndrome. Identifiers: Orphanet 198, MedGen C0268353, MONDO:0010572, OMIM 304150.
X-linked distal spinal muscular atrophy type 3. Also called: ATP7A-Related Distal Motor Neuropathy; SPINAL MUSCULAR ATROPHY, DISTAL, X-LINKED RECESSIVE; NEURONOPATHY, DISTAL HEREDITARY MOTOR, X-LINKED; NEUROPATHY, DISTAL HEREDITARY MOTOR, X-LINKED. Identifiers: Orphanet 139557, MedGen C1845359, MONDO:0010338, OMIM 300489.

Submission:

Labcorp Genetics (formerly Invitae), Labcorp
Classification: Uncertain significance for X-linked distal spinal muscular atrophy type 3; Cutis laxa, X-linked; Menkes kinky-hair syndrome. Last evaluated: 2024-10-16. Review status: criteria provided, single submitter. Criteria: Invitae Variant Classification Sherloc (09022015). Collection method: clinical testing. Allele origin: germline.
Comment: This sequence change replaces isoleucine, which is neutral and non-polar, with valine, which is neutral and non-polar, at codon 930 of the ATP7A protein (p.Ile930Val). This variant is not present in population databases (gnomAD no frequency). This variant has not been reported in the literature in individuals affected with ATP7A-related conditions. Invitae Evidence Modeling of protein sequence and biophysical properties (such as structural, functional, and spatial information, amino acid conservation, physicochemical variation, residue mobility, and thermodynamic stability) indicates that this missense variant is not expected to disrupt ATP7A protein function with a negative predictive value of 95%. In summary, the available evidence is currently insufficient to determine the role of this variant in disease. Therefore, it has been classified as a Variant of Uncertain Significance.

NM_000052.7(ATP7A):c.2788A>G (p.Ile930Val)

Gene: ATP7A (ATPase copper transporting alpha; plus strand). Cytogenetic location: Xq21.1.
Variant type: single nucleotide variant.
Coding change: c.2788A>G on transcript NM_000052.7 (MANE Select); coding-DNA position 2788, A replaced by G.
Protein change: p.Ile930Val; replaces isoleucine 930 with valine.
Molecular consequence: missense variant.
Genome position (GRCh38, 1-based): chrX:78,020,951, A>G. VCF-style: chrX-78020951-A-G. GRCh37 (hg19) VCF-style: chrX-77276448-A-G.
Other names: c.2554A>G, p.Ile852Val (NM_001282224.2); short protein forms I930V, I852V.
Identifiers: ClinVar variation 2921619 (VCV002921619.3), dbSNP rs2077901851, ClinGen allele CA413602698.